The following is an entry in ClinVar:

ClinVar aggregate classification (germline): Uncertain significance (1 of 4 stars; one submission).

Conditions:
Parkinsonism-dystonia, infantile. Identifiers: Orphanet 238455, MedGen C2751067, MONDO:0013150.

Allele frequency attached by ClinVar (database versions not stated): gnomAD exomes below 0.00001.
gnomAD v4.1: 1 of 1,594,980 alleles (0.000063%); highest among the groups gnomAD compares: Non-Finnish European, 0.000086%; no homozygotes.

Submission:

Labcorp Genetics (formerly Invitae), Labcorp
Classification: Uncertain significance for Parkinsonism-dystonia, infantile. Last evaluated: 2022-02-05. Review status: criteria provided, single submitter. Criteria: Invitae Variant Classification Sherloc (09022015). Collection method: clinical testing. Allele origin: germline.
Comment: This variant is not present in population databases (gnomAD no frequency). This sequence change replaces alanine, which is neutral and non-polar, with valine, which is neutral and non-polar, at codon 592 of the SLC6A3 protein (p.Ala592Val). In summary, the available evidence is currently insufficient to determine the role of this variant in disease. Therefore, it has been classified as a Variant of Uncertain Significance. Algorithms developed to predict the effect of missense changes on protein structure and function (SIFT, PolyPhen-2, Align-GVGD) all suggest that this variant is likely to be tolerated. This variant has not been reported in the literature in individuals affected with SLC6A3-related conditions.

NM_001044.5(SLC6A3):c.1775C>T (p.Ala592Val)

Gene: SLC6A3 (solute carrier family 6 member 3). Cytogenetic location: 5p15.33.
Variant type: single nucleotide variant.
Coding change: c.1775C>T on transcript NM_001044.5 (MANE Select); coding-DNA position 1775, C replaced by T.
Protein change: p.Ala592Val; replaces alanine 592 with valine.
Molecular consequence: missense variant.
Genome position (GRCh38, 1-based): chr5:1,400,979, G>A on the plus strand (C>T on the coding strand, the complement: SLC6A3 is on the minus strand). VCF-style: chr5-1400979-G-A. GRCh37 (hg19) VCF-style: chr5-1401094-G-A.
Other names: short protein forms A592V.
Identifiers: ClinVar variation 2093328 (VCV002093328.4), dbSNP rs2477314983, ClinGen allele CA359072583.
Genomic context (GRCh38, chr5:1,400,979, plus strand): 5'-AACTGGCGCACCTCCCCTCTGTCCACCAGCTCACGGTCCTTCTCGGGTGCAATGGCGTAG[G>A]CCAGTTTCTGAAAGAGAAAGAGAGTGCAGGGGTCAGTGCAGACCAGTACCCACTGCCAGC-3'
Protein context (NP_001035.1, residues 582-602): SLPGSFREKL[Ala592Val]YAIAPEKDRE